The following is an entry in ClinVar:

NM_000069.3(CACNA1S):c.3013A>T (p.Met1005Leu)

Gene: CACNA1S (calcium voltage-gated channel subunit alpha1 S; minus strand). Cytogenetic location: 1q32.1.
Variant type: single nucleotide variant.
Coding change: c.3013A>T on transcript NM_000069.3 (MANE Select); coding-DNA position 3013, A replaced by T.
Protein change: p.Met1005Leu; replaces methionine 1005 with leucine.
Molecular consequence: missense variant.
Genome position (GRCh38, 1-based): chr1:201,061,984, T>A on the plus strand (A>T on the coding strand, the complement: CACNA1S is on the minus strand). VCF-style: chr1-201061984-T-A. GRCh37 (hg19) VCF-style: chr1-201031112-T-A.
Other names: short protein forms M1005L.
Identifiers: ClinVar variation 572444 (VCV000572444.14), dbSNP rs149658326, ClinGen allele CA079482.

ClinVar aggregate classification (germline): Conflicting classifications of pathogenicity. Review status: criteria provided, conflicting classifications (1 of 4 stars). 6 submissions from 6 submitters: Uncertain significance (4); Benign (1). 1 of the submissions does not count toward it. Last evaluated 2025-09-06.

Conditions:
CACNA1S-related disorder. Also called: CACNA1S-related condition.
Inborn genetic diseases. Identifiers: MedGen C0950123, MeSH D030342.
Thyrotoxic periodic paralysis, susceptibility to, 1 (TTPP1). Identifiers: Orphanet 79102, MedGen C2749982, MONDO:0008570, OMIM 188580.
Malignant hyperthermia, susceptibility to, 5 (MHS5). Also called: CACNA1S-Related Malignant Hyperthermia Susceptibility. Identifiers: Orphanet 423, MedGen C1866077, MONDO:0011163, OMIM 601887.
Congenital myopathy 18. Also called: DIHYDROPYRIDINE RECEPTOR CONGENITAL MYOPATHY; DHPR CONGENITAL MYOPATHY; Myopathy, congenital, due to dihydropyridine receptor defect. Identifiers: MedGen C5830283, MONDO:0859514, OMIM 620246.
Hypokalemic periodic paralysis, type 1. Also called: HypoPP; Hypokalemic Periodic Paralysis Type 1 (AD). Identifiers: Orphanet 681, MedGen C3714580, MONDO:0042979, OMIM 170400.

Allele frequency attached by ClinVar (database versions not stated): ExAC 0.00002; gnomAD exomes 0.00002; gnomAD 0.00003; TOPMed 0.00004; ESP Exome Variant Server 0.00008.

Submissions (6):

Labcorp Genetics (formerly Invitae), Labcorp
Classification: Benign for Hypokalemic periodic paralysis, type 1; Malignant hyperthermia, susceptibility to, 5. Last evaluated: 2025-09-06. Review status: criteria provided, single submitter. Criteria: Invitae Variant Classification Sherloc (09022015). Collection method: clinical testing. Allele origin: germline.

Ambry Genetics
Classification: Uncertain significance for Inborn genetic diseases. Last evaluated: 2024-10-28. Review status: criteria provided, single submitter. Criteria: Ambry Variant Classification Scheme 2023. Collection method: clinical testing. Allele origin: germline.

GeneDx
Classification: Uncertain significance. Last evaluated: 2024-05-07. Review status: criteria provided, single submitter. Criteria: GeneDx Variant Classification Process June 2021. Collection method: clinical testing. Allele origin: germline. Affected: yes.
Comment: In silico analysis indicates that this missense variant does not alter protein structure/function; Has not been previously published as pathogenic or benign to our knowledge

Color Diagnostics, LLC DBA Color Health
Classification: Uncertain significance for Malignant hyperthermia, susceptibility to, 5. Last evaluated: 2024-04-17. Review status: criteria provided, single submitter. Criteria: ACMG Guidelines, 2015. Collection method: clinical testing. Allele origin: germline.
Comment: This missense variant replaces methionine with leucine at codon 1005 of the CACNA1S protein. Computational prediction suggests that this variant may not impact protein structure and function. To our knowledge, functional studies have not been reported for this variant. This variant has not been reported in individuals affected with CACNA1S-related disorders in the literature. This variant has been identified in 6/251390 chromosomes in the general population by the Genome Aggregation Database (gnomAD). The available evidence is insufficient to determine the role of this variant in disease conclusively. Therefore, this variant is classified as a Variant of Uncertain Significance.

Fulgent Genetics
Classification: Uncertain significance for Hypokalemic periodic paralysis, type 1; Thyrotoxic periodic paralysis, susceptibility to, 1; Malignant hyperthermia, susceptibility to, 5; Congenital myopathy 18. Last evaluated: 2024-03-28. Review status: criteria provided, single submitter. Criteria: ACMG Guidelines, 2015. Collection method: clinical testing. Allele origin: germline.

PreventionGenetics, part of Exact Sciences
Classification: Uncertain significance for CACNA1S-related condition. Last evaluated: 2024-02-12. Review status: no assertion criteria provided. Collection method: clinical testing. Allele origin: germline. Not counted in ClinVar's aggregate classification.
Comment: The CACNA1S c.3013A>T variant is predicted to result in the amino acid substitution p.Met1005Leu. To our knowledge, this variant has not been reported in the literature. This variant is reported in 0.0062% of alleles in individuals of African descent in gnomAD. At this time, the clinical significance of this variant is uncertain due to the absence of conclusive functional and genetic evidence.